The following is an entry in ClinVar:

ClinVar aggregate classification (germline): Uncertain significance (1 of 4 stars; one submission).

Submission:

Labcorp Genetics (formerly Invitae), Labcorp
Classification: Uncertain significance. Last evaluated: 2024-05-09. Review status: criteria provided, single submitter. Criteria: Invitae Variant Classification Sherloc (09022015). Collection method: clinical testing. Allele origin: germline.
Comment: This variant results in the deletion of part of exon 11 (c.1087-355_1114delinsTTCCCAT) of the ANXA11 gene. It is expected to disrupt RNA splicing. Variants that disrupt the donor or acceptor splice site typically lead to a loss of protein function (PMID: 16199547), however the current clinical and genetic evidence is not sufficient to establish whether loss-of-function variants in ANXA11 cause disease. This variant is not present in population databases (gnomAD no frequency). This variant has not been reported in the literature in individuals affected with ANXA11-related conditions. In summary, the available evidence is currently insufficient to determine the role of this variant in disease. Therefore, it has been classified as a Variant of Uncertain Significance.

Literature cited by the submitters: PubMed 16199547.

NM_145868.2(ANXA11):c.1087-355_1114delinsTTCCCAT

Gene: ANXA11 (annexin A11; minus strand). Cytogenetic location: 10q22.3.
Variant type: Indel.
Coding change: c.1087-355_1114delinsTTCCCAT on transcript NM_145868.2 (MANE Select); 355 bases into the intron before coding-DNA position 1087 through coding-DNA position 1114, the reference bases replaced by TTCCCAT.
Molecular consequence: splice acceptor variant.
Genome position (GRCh38, 1-based): chr10:80,162,001-80,162,383, 383 bases replaced. GRCh37 (hg19): chr10:81,921,757-81,922,139.
Other names: c.1087-355_1114delinsTTCCCAT (NM_001278407.2, NM_001157.3, NM_145869.2 and 1 more transcripts); c.988-355_1015delinsTTCCCAT (NM_001278409.2).
Identifiers: ClinVar variation 3652864 (VCV003652864.2).